The following is an entry in ClinVar:

ClinVar aggregate classification (germline): Uncertain significance (1 of 4 stars; one submission).

Submission:

GeneDx
Classification: Uncertain significance. Last evaluated: 2024-11-20. Review status: criteria provided, single submitter. Criteria: GeneDx Variant Classification Process June 2021. Collection method: clinical testing. Allele origin: germline. Affected: yes.
Comment: Not observed at significant frequency in large population cohorts (gnomAD); In silico analysis supports that this missense variant has a deleterious effect on protein structure/function; Has not been previously published as pathogenic or benign to our knowledge

NM_003470.3(USP7):c.2554C>A (p.Pro852Thr)

Gene: USP7 (ubiquitin specific peptidase 7; minus strand). Cytogenetic location: 16p13.2.
Variant type: single nucleotide variant.
Coding change: c.2554C>A on transcript NM_003470.3 (MANE Select); coding-DNA position 2554, C replaced by A.
Protein change: p.Pro852Thr; replaces proline 852 with threonine.
Molecular consequence: missense variant. On other transcripts: non-coding transcript variant (1).
Genome position (GRCh38, 1-based): chr16:8,898,617, G>T on the plus strand (C>A on the coding strand, the complement: USP7 is on the minus strand). VCF-style: chr16-8898617-G-T. GRCh37 (hg19) VCF-style: chr16-8992474-G-T.
Other names: c.2506C>A, p.Pro836Thr (NM_001286457.2); c.2257C>A, p.Pro753Thr (NM_001286458.2); c.2380C>A, p.Pro794Thr (NM_001321858.2); short protein forms P753T, P794T, P836T, P852T.
Identifiers: ClinVar variation 3900584 (VCV003900584.1).